The following is an entry in ClinVar:

NM_001365276.2(TNXB):c.11386+10T>A

Genes: TNXB (tenascin XB; minus strand), LOC106780803 (tenascin XB recombination region; plus strand). Cytogenetic location: 6p21.33.
Variant type: single nucleotide variant.
Coding change: c.11386+10T>A on transcript NM_001365276.2 (MANE Select); 10 bases into the intron after coding-DNA position 11386, T replaced by A.
Molecular consequence: intron variant.
Genome position (GRCh38, 1-based): chr6:32,043,997, A>T on the plus strand (T>A on the coding strand, the complement: TNXB is on the minus strand). VCF-style: chr6-32043997-A-T. GRCh37 (hg19) VCF-style: chr6-32011774-A-T.
Other names: p.?; c.11380+10T>A (NM_019105.8); c.12127+10T>A (NM_001428335.1); c.673+10T>A (NM_032470.4).
Identifiers: ClinVar variation 4684940 (VCV004684940.1).

ClinVar aggregate classification (germline): Likely benign (1 of 4 stars; one submission).

Submission:

Mayo Clinic Laboratories, Mayo Clinic
Classification: Likely benign. Last evaluated: 2025-06-13. Review status: criteria provided, single submitter. Criteria: ACMG Guidelines, 2015. Collection method: clinical testing. Allele origin: germline. Observed: 1 variant allele.
Comment: BP4, BP7, PM2_supporting